The following is an entry in ClinVar:

ClinVar aggregate classification (germline): Uncertain significance (1 of 4 stars; one submission).

Submission:

GeneDx
Classification: Uncertain significance. Last evaluated: 2024-08-05. Review status: criteria provided, single submitter. Criteria: GeneDx Variant Classification Process June 2021. Collection method: clinical testing. Allele origin: germline. Affected: yes.
Comment: Not observed at significant frequency in large population cohorts (gnomAD); In silico analysis supports that this missense variant has a deleterious effect on protein structure/function; Has not been previously published as pathogenic or benign to our knowledge

NM_153252.5(BRWD3):c.2554G>A (p.Asp852Asn)

Gene: BRWD3 (bromodomain and WD repeat domain containing 3; minus strand). Cytogenetic location: Xq21.1.
Variant type: single nucleotide variant.
Coding change: c.2554G>A on transcript NM_153252.5 (MANE Select); coding-DNA position 2554, G replaced by A.
Protein change: p.Asp852Asn; replaces aspartic acid 852 with asparagine.
Molecular consequence: missense variant.
Genome position (GRCh38, 1-based): chrX:80,704,845, C>T on the plus strand (G>A on the coding strand, the complement: BRWD3 is on the minus strand). VCF-style: chrX-80704845-C-T. GRCh37 (hg19) VCF-style: chrX-79960344-C-T.
Other names: short protein forms D852N.
Identifiers: ClinVar variation 3603164 (VCV003603164.1).